The following is an entry in ClinVar:

NM_001101426.4(CRPPA):c.835+2T>C

Gene: CRPPA (CDP-L-ribitol pyrophosphorylase A; minus strand). Cytogenetic location: 7p21.2.
Variant type: single nucleotide variant.
Coding change: c.835+2T>C on transcript NM_001101426.4 (MANE Select); the canonical splice donor site of the intron after coding-DNA position 835, T replaced by C.
Molecular consequence: splice donor variant.
Genome position (GRCh38, 1-based): chr7:16,301,419, A>G on the plus strand (T>C on the coding strand, the complement: CRPPA is on the minus strand). VCF-style: chr7-16301419-A-G. GRCh37 (hg19) VCF-style: chr7-16341044-A-G.
Other names: c.685+2T>C (NM_001101417.4); c.730+2T>C (NM_001368197.1).
Identifiers: ClinVar variation 582317 (VCV000582317.11), dbSNP rs773325665, ClinGen allele CA4169486.
Genomic context (GRCh38, chr7:16,301,419, plus strand): 5'-AAATTCCGAACTGGCTTACATTTTTGAAACACAGGAACTGACAGTCATAAGGCCAAACAT[A>G]CCCTTAATAATCGATTCAGCCGCATAGAGATCTCGTTTGTAGGTCACCTAAAGGACAGAT-3'

ClinVar aggregate classification (germline): Pathogenic/Likely pathogenic. Review status: criteria provided, multiple submitters, no conflicts (2 of 4 stars). 2 submissions from 2 submitters: Pathogenic (1); Likely pathogenic (1). Last evaluated 2023-12-22.

Conditions:
Autosomal recessive limb-girdle muscular dystrophy type 2U. Also called: MUSCULAR DYSTROPHY, LIMB-GIRDLE, TYPE 2U; Muscular dystrophy-dystroglycanopathy (limb-girdle), type c, 7. Identifiers: Orphanet 352479, MedGen C5190987, MONDO:0014474, OMIM 616052.
Muscular dystrophy-dystroglycanopathy (congenital with brain and eye anomalies), type A, 7. Also called: WALKER-WARBURG SYNDROME OR MUSCLE-EYE-BRAIN DISEASE, ISPD-RELATED; Congenital muscular dystrophy-dystroglycanopathy with brain and eye anomalies, type A7. Identifiers: Orphanet 899, MedGen C3553330, MONDO:0013835, OMIM 614643.

Allele frequency attached by ClinVar (database versions not stated): gnomAD exomes 0.00001 and 0.00002; TOPMed 0.00002; ExAC 0.00003; gnomAD 0.00005.
gnomAD v4.1: 18 of 1,611,270 alleles (0.0011%); highest among the groups gnomAD compares: African/African-American, 0.012%; no homozygotes.

Submissions (2):

Labcorp Genetics (formerly Invitae), Labcorp
Classification: Likely pathogenic for Muscular dystrophy-dystroglycanopathy (congenital with brain and eye anomalies), type A, 7; Autosomal recessive limb-girdle muscular dystrophy type 2U. Last evaluated: 2023-12-22. Review status: criteria provided, single submitter. Criteria: Invitae Variant Classification Sherloc (09022015). Collection method: clinical testing. Allele origin: germline.
Comment: This sequence change affects a donor splice site in intron 5 of the ISPD gene. It is expected to disrupt RNA splicing. Variants that disrupt the donor or acceptor splice site typically lead to a loss of protein function (PMID: 16199547), and loss-of-function variants in ISPD are known to be pathogenic (PMID: 23288328). This variant is present in population databases (rs773325665, gnomAD 0.01%). This variant has not been reported in the literature in individuals affected with ISPD-related conditions. ClinVar contains an entry for this variant (Variation ID: 582317). Algorithms developed to predict the effect of sequence changes on RNA splicing suggest that this variant may disrupt the consensus splice site. In summary, the currently available evidence indicates that the variant is pathogenic, but additional data are needed to prove that conclusively. Therefore, this variant has been classified as Likely Pathogenic.

GeneDx
Classification: Pathogenic. Last evaluated: 2019-04-24. Review status: criteria provided, single submitter. Criteria: GeneDx Variant Classification Process June 2021. Collection method: clinical testing. Allele origin: germline. Affected: yes.
Comment: Canonical splice site variant in a gene for which loss-of-function is a known mechanism of disease; Not observed at a significant frequency in large population cohorts (Lek et al., 2016); Has not been previously published as pathogenic or benign to our knowledge

Literature cited by the submitters: PubMed 16199547 (cited by Labcorp Genetics (formerly Invitae), Labcorp); PubMed 23288328 (cited by Labcorp Genetics (formerly Invitae), Labcorp).